The following is an entry in ClinVar:

NM_018325.5(C9orf72):c.901G>C (p.Ala301Pro)

Gene: C9orf72 (C9orf72-SMCR8 complex subunit; minus strand). Cytogenetic location: 9p21.2.
Variant type: single nucleotide variant.
Coding change: c.901G>C on transcript NM_018325.5 (MANE Select); coding-DNA position 901, G replaced by C.
Protein change: p.Ala301Pro; replaces alanine 301 with proline.
Molecular consequence: missense variant.
Genome position (GRCh38, 1-based): chr9:27,556,751, C>G on the plus strand (G>C on the coding strand, the complement: C9orf72 is on the minus strand). VCF-style: chr9-27556751-C-G. GRCh37 (hg19) VCF-style: chr9-27556749-C-G.
Other names: c.901G>C, p.Ala301Pro (NM_001256054.3); short protein forms A301P.
Identifiers: ClinVar variation 3898599 (VCV003898599.7).

ClinVar aggregate classification (germline): Uncertain significance (1 of 4 stars; one submission).

Submission:

CeGaT Center for Human Genetics Tuebingen
Classification: Uncertain significance. Last evaluated: 2025-04-01. Review status: criteria provided, single submitter. Criteria: CeGaT Center For Human Genetics Tuebingen Variant Classification Criteria Version 2. Collection method: clinical testing. Allele origin: germline. Affected: yes. Observed: 1 variant allele.
Comment: C9orf72: PM2, BP4